The following is an entry in ClinVar:

NM_012154.5(AGO2):c.551C>A (p.Ala184Glu)

Genes: AGO2 (argonaute RISC catalytic component 2; minus strand), LOC126860545 (MED14-independent group 3 enhancer GRCh37_chr8:141569579-141570778; plus strand). Cytogenetic location: 8q24.3.
Variant type: single nucleotide variant.
Coding change: c.551C>A on transcript NM_012154.5 (MANE Select); coding-DNA position 551, C replaced by A.
Protein change: p.Ala184Glu; replaces alanine 184 with glutamic acid.
Molecular consequence: missense variant.
Genome position (GRCh38, 1-based): chr8:140,560,478, G>T on the plus strand (C>A on the coding strand, the complement: AGO2 is on the minus strand). VCF-style: chr8-140560478-G-T. GRCh37 (hg19) VCF-style: chr8-141570577-G-T.
Other names: c.551C>A, p.Ala184Glu (NM_001164623.3); short protein forms A184E.
Identifiers: ClinVar variation 3373380 (VCV003373380.1).

ClinVar aggregate classification (germline): Uncertain significance (1 of 4 stars; one submission).

Submission:

GeneDx
Classification: Uncertain significance. Last evaluated: 2024-04-30. Review status: criteria provided, single submitter. Criteria: GeneDx Variant Classification Process June 2021. Collection method: clinical testing. Allele origin: germline. Affected: yes.
Comment: Not observed at significant frequency in large population cohorts (gnomAD); In silico analysis indicates that this missense variant does not alter protein structure/function; Has not been previously published as pathogenic or benign to our knowledge